The following is an entry in ClinVar:

NM_002249.6(KCNN3):c.1259G>A (p.Arg420Gln)

Gene: KCNN3 (potassium calcium-activated channel subfamily N member 3; minus strand). Cytogenetic location: 1q21.3.
Variant type: single nucleotide variant.
Coding change: c.1259G>A on transcript NM_002249.6 (MANE Select); coding-DNA position 1259, G replaced by A.
Protein change: p.Arg420Gln; replaces arginine 420 with glutamine.
Molecular consequence: missense variant.
Genome position (GRCh38, 1-based): chr1:154,772,164, C>T on the plus strand (G>A on the coding strand, the complement: KCNN3 is on the minus strand). VCF-style: chr1-154772164-C-T. GRCh37 (hg19) VCF-style: chr1-154744640-C-T.
Other names: c.1259G>A, p.Arg420Gln (NM_001204087.2); c.320G>A, p.Arg107Gln (NM_001365837.1, NM_001365838.1); c.344G>A, p.Arg115Gln (NM_170782.3); short protein forms R107Q, R115Q, R420Q.
Identifiers: ClinVar variation 2572455 (VCV002572455.1), dbSNP rs1408630129, ClinGen allele CA343066826.

ClinVar aggregate classification (germline): Uncertain significance (1 of 4 stars; one submission).

Conditions:
Zimmermann-Laband syndrome 3. Identifiers: MedGen C5231447, MONDO:0032854, OMIM 618658.

Allele frequency attached by ClinVar (database versions not stated): TOPMed below 0.00001.

Submission:

3billion
Classification: Uncertain significance for Zimmermann-Laband syndrome 3. Review status: criteria provided, single submitter. Criteria: ACMG Guidelines, 2015. Collection method: clinical testing. Allele origin: unknown. Affected: yes. Observed: 1 heterozygote.
Comment: The variant is not observed in the gnomAD v2.1.1 dataset. Missense changes are a common disease-causing mechanism. In silico tool predictions suggest damaging effect of the variant on gene or gene product (REVEL: 0.61; 3Cnet: 0.96). Therefore, this variant is classified as Uncertain significance according to the recommendation of ACMG/AMP guideline.